The following is an entry in ClinVar:

NM_000245.4(MET):c.1527+6C>T

Gene: MET (MET proto-oncogene, receptor tyrosine kinase; plus strand). Cytogenetic location: 7q31.2.
Variant type: single nucleotide variant.
Coding change: c.1527+6C>T on transcript NM_000245.4 (MANE Select); 6 bases into the intron after coding-DNA position 1527, C replaced by T.
Molecular consequence: intron variant.
Genome position (GRCh38, 1-based): chr7:116,740,090, C>T. VCF-style: chr7-116740090-C-T. GRCh37 (hg19) VCF-style: chr7-116380144-C-T.
Other names: c.1527+6C>T (NM_001127500.3, NM_001324401.3); c.237+6C>T (NM_001324402.2).
Identifiers: ClinVar variation 971028 (VCV000971028.9), dbSNP rs1793387165, ClinGen allele CA1106281951.

ClinVar aggregate classification (germline): Uncertain significance (1 of 4 stars; one submission).

Conditions:
Renal cell carcinoma. Identifiers: Orphanet 217071, MedGen C0007134, MeSH D002292, MONDO:0005086, HP:0005584.

Allele frequency attached by ClinVar (database versions not stated): gnomAD 0.00001.
gnomAD v4.1: 1 of 1,613,894 alleles (0.000062%); highest among the groups gnomAD compares: African/African-American, 0.0013%; no homozygotes.

Submission:

Labcorp Genetics (formerly Invitae), Labcorp
Classification: Uncertain significance for Renal cell carcinoma. Last evaluated: 2021-01-31. Review status: criteria provided, single submitter. Criteria: Invitae Variant Classification Sherloc (09022015). Collection method: clinical testing. Allele origin: germline.
Comment: In summary, the available evidence is currently insufficient to determine the role of this variant in disease. Therefore, it has been classified as a Variant of Uncertain Significance. Nucleotide substitutions within the consensus splice site are a relatively common cause of aberrant splicing (PMID: 17576681, 9536098). Algorithms developed to predict the effect of sequence changes on RNA splicing suggest that this variant is not likely to affect RNA splicing, but this prediction has not been confirmed by published transcriptional studies. This variant has not been reported in the literature in individuals with MET-related conditions. This variant is not present in population databases (ExAC no frequency). This sequence change falls in intron 4 of the MET gene. It does not directly change the encoded amino acid sequence of the MET protein, but it affects a nucleotide within the consensus splice site of the intron.

Literature cited by the submitters: PubMed 17576681; PubMed 9536098.